The following is an entry in ClinVar:

ClinVar aggregate classification (germline): Uncertain significance (1 of 4 stars; one submission).

Conditions:
Intellectual developmental disorder, X-linked, syndromic, Billuart type. Also called: MENTAL RETARDATION, X-LINKED 60; X-linked intellectual disability-cerebellar hypoplasia syndrome. Identifiers: Orphanet 137831, MedGen C1845366, MONDO:0010337, OMIM 300486.

Allele frequency attached by ClinVar (database versions not stated): gnomAD exomes 0.00002.
gnomAD v4.1: 16 of 1,211,280 alleles (0.0013%); highest among the groups gnomAD compares: South Asian, 0.0053%; no homozygotes.

Submission:

MGZ Medical Genetics Center
Classification: Uncertain significance for Intellectual developmental disorder, X-linked, syndromic, Billuart type. Last evaluated: 2022-05-04. Review status: criteria provided, single submitter. Criteria: ACMG Guidelines, 2015. Collection method: clinical testing. Allele origin: germline. Affected: yes. Observed: 1 variant allele.
Comment: ACMG criteria applied: PM2_SUP, BP4

NM_002547.3(OPHN1):c.1733C>T (p.Pro578Leu)

Gene: OPHN1 (oligophrenin 1; minus strand). Cytogenetic location: Xq12.
Variant type: single nucleotide variant.
Coding change: c.1733C>T on transcript NM_002547.3 (MANE Select); coding-DNA position 1733, C replaced by T.
Protein change: p.Pro578Leu; replaces proline 578 with leucine.
Molecular consequence: missense variant.
Genome position (GRCh38, 1-based): chrX:68,073,253, G>A on the plus strand (C>T on the coding strand, the complement: OPHN1 is on the minus strand). VCF-style: chrX-68073253-G-A. GRCh37 (hg19) VCF-style: chrX-67293095-G-A.
Other names: short protein forms P578L.
Identifiers: ClinVar variation 1709354 (VCV001709354.2), dbSNP rs1221737481, ClinGen allele CA413431428.